The following is an entry in ClinVar:

NM_004304.5(ALK):c.1413C>T (p.Cys471=)

Gene: ALK (ALK receptor tyrosine kinase; minus strand). Cytogenetic location: 2p23.2.
Variant type: single nucleotide variant.
Coding change: c.1413C>T on transcript NM_004304.5 (MANE Select); coding-DNA position 1413, C replaced by T.
Protein change: p.Cys471=; no amino-acid change (cysteine 471 retained).
Molecular consequence: synonymous variant.
Genome position (GRCh38, 1-based): chr2:29,328,351, G>A on the plus strand (C>T on the coding strand, the complement: ALK is on the minus strand). VCF-style: chr2-29328351-G-A. GRCh37 (hg19) VCF-style: chr2-29551217-G-A.
Identifiers: ClinVar variation 566722 (VCV000566722.12), dbSNP rs770707805, ClinGen allele CA1594667.

ClinVar aggregate classification (germline): Conflicting classifications of pathogenicity. Review status: criteria provided, conflicting classifications (1 of 4 stars). 2 submissions from 2 submitters: Uncertain significance (1); Likely benign (1). Last evaluated 2026-01-11.

Conditions:
Neuroblastoma, susceptibility to, 3. Also called: ALK-Related Neuroblastic Tumor Susceptibility. Identifiers: Orphanet 635, MedGen C2751681, MONDO:0013083, OMIM 613014.
Hereditary cancer-predisposing syndrome. Also called: Neoplastic Syndromes, Hereditary; Tumor predisposition; Hereditary Cancer Syndrome; Hereditary neoplastic syndrome. Identifiers: Orphanet 140162, MedGen C0027672, MeSH D009386, MONDO:0015356.

Allele frequency attached by ClinVar (database versions not stated): ExAC 0.00004; gnomAD exomes 0.00005 and 0.00006; TOPMed 0.00005; gnomAD 0.00006.
gnomAD v4.1: 80 of 1,614,008 alleles (0.005%); highest among the groups gnomAD compares: Admixed American, 0.023%; no homozygotes.

Submissions (2):

Labcorp Genetics (formerly Invitae), Labcorp
Classification: Uncertain significance for Neuroblastoma, susceptibility to, 3. Last evaluated: 2026-01-11. Review status: criteria provided, single submitter. Criteria: Invitae Variant Classification Sherloc (09022015). Collection method: clinical testing. Allele origin: germline.
Comment: This sequence change affects codon 471 of the ALK mRNA. It is a 'silent' change, meaning that it does not change the encoded amino acid sequence of the ALK protein. It affects a nucleotide within the consensus splice site. This variant is present in population databases (rs770707805, gnomAD 0.02%). This variant has not been reported in the literature in individuals affected with ALK-related conditions. ClinVar contains an entry for this variant (Variation ID: 566722). Algorithms developed to predict the effect of sequence changes on RNA splicing suggest that this variant is not likely to affect RNA splicing. In summary, the available evidence is currently insufficient to determine the role of this variant in disease. Therefore, it has been classified as a Variant of Uncertain Significance.

Ambry Genetics
Classification: Likely benign for Hereditary cancer-predisposing syndrome. Last evaluated: 2024-08-20. Review status: criteria provided, single submitter. Criteria: Ambry Variant Classification Scheme 2023. Collection method: clinical testing. Allele origin: germline.